The following is an entry in ClinVar:

NM_000363.5(TNNI3):c.481G>C (p.Ala161Pro)

Gene: TNNI3 (troponin I3, cardiac type; minus strand). Cytogenetic location: 19q13.42.
Variant type: single nucleotide variant.
Coding change: c.481G>C on transcript NM_000363.5 (MANE Select); coding-DNA position 481, G replaced by C.
Protein change: p.Ala161Pro; replaces alanine 161 with proline.
Molecular consequence: missense variant.
Genome position (GRCh38, 1-based): chr19:55,154,098, C>G on the plus strand (G>C on the coding strand, the complement: TNNI3 is on the minus strand). VCF-style: chr19-55154098-C-G. GRCh37 (hg19) VCF-style: chr19-55665466-C-G.
Other names: short protein forms A161P.
Identifiers: ClinVar variation 1918212 (VCV001918212.3), dbSNP rs1599909172, ClinGen allele CA407440371.

ClinVar aggregate classification (germline): Uncertain significance (1 of 4 stars; one submission).

Conditions:
Hypertrophic cardiomyopathy. Also called: HYPERTROPHIC MYOCARDIOPATHY. Identifiers: Orphanet 217569, MedGen C0007194, MeSH D002312, MONDO:0005045, HP:0001639.

Submission:

Labcorp Genetics (formerly Invitae), Labcorp
Classification: Uncertain significance for Hypertrophic cardiomyopathy. Last evaluated: 2022-04-01. Review status: criteria provided, single submitter. Criteria: Invitae Variant Classification Sherloc (09022015). Collection method: clinical testing. Allele origin: germline.
Comment: In summary, the available evidence is currently insufficient to determine the role of this variant in disease. Therefore, it has been classified as a Variant of Uncertain Significance. Algorithms developed to predict the effect of missense changes on protein structure and function are either unavailable or do not agree on the potential impact of this missense change (SIFT: "Deleterious"; PolyPhen-2: "Benign"; Align-GVGD: "Class C0"). This missense change has been observed in individual(s) with clinical features of hypertrophic cardiomyopathy (PMID: 30297972). This variant is not present in population databases (gnomAD no frequency). This sequence change replaces alanine, which is neutral and non-polar, with proline, which is neutral and non-polar, at codon 161 of the TNNI3 protein (p.Ala161Pro).

Literature cited by the submitters: PubMed 30297972.